The following is an entry in ClinVar:

ClinVar aggregate classification (germline): Likely pathogenic (1 of 4 stars; one submission).

Conditions:
Developmental delay, hypotonia, and impaired language (DEDHIL). Identifiers: MedGen C5774202, MONDO:0859280, OMIM 620012.

Submission:

Victorian Clinical Genetics Services, Murdoch Childrens Research Institute
Classification: Likely pathogenic for Developmental delay, hypotonia, and impaired language. Last evaluated: 2023-07-17. Review status: criteria provided, single submitter. Criteria: ACMG Guidelines, 2015. Collection method: clinical testing. Allele origin: germline. Inheritance: Autosomal dominant inheritance. Affected: yes.
Comment: Based on the classification scheme VCGS_Germline_v1.3.4, this variant is classified as Likely Pathogenic. Following criteria are met: 0102 - Loss of function is a known mechanism of disease in this gene and is associated with developmental delay, hypotonia, and impaired language (MIM#620012). However, additional mechanisms for missense variants have not been excluded (PMID: 35395208). (I) 0107 - This gene is associated with autosomal dominant disease. (I) 0115 - Variants in this gene are known to have variable expressivity. Variants that segregated within families displayed intrafamilial variability (PMID: 35395208). (I) 0205 - Variant is predicted to result in a truncated protein (premature termination codon is NOT located at least 54 nucleotides upstream of the final exon-exon junction) with less than 1/3 of the protein sequence affected. (SP) 0251 - This variant is heterozygous. (I) 0301 - Variant is absent from gnomAD (both v2 and v3). (SP) 0601 - Variant results in the partial loss of the WD40 domain (DECIPHER). Additionally, functional studies have proven that missense variation in the truncated C-terminal region can impact protein function (PMID: 35395208). (SP) 0704 - Another protein truncating variant comparable to the one identified in this case has limited previous evidence for pathogenicity. A truncating variant (p.(Lys647*)) has been reported as likely pathogenic, and observed as de novo in an individual with a milder neurodevelopmental syndrome (ClinVar, PMID: 35395208). Another truncating variant (p.(Ser641*)), has been reported as a VUS in an individual with unknown inheritance and features including hypotonia with motor delay (DECIPHER). (SP) 0807 - This variant has no previous evidence of pathogenicity. (I) 0905 - No published segregation evidence has been identified for this variant. (I) 1007 - No published functional evidence has been identified for this variant. (I) 1207 - Parental origin of the variant is unresolved (by duo analysis). (I) Legend: (SP) - Supporting pathogenic, (I) - Information, (SB) - Supporting benign

Literature cited by the submitters: PubMed 35395208.

NM_001349798.2(FBXW7):c.1919del (p.Ser640fs)

Gene: FBXW7 (F-box and WD repeat domain containing 7; minus strand). Cytogenetic location: 4q31.3.
Variant type: Deletion.
Coding change: c.1919del on transcript NM_001349798.2 (MANE Select); coding-DNA position 1919, one base deleted (G; older notation c.1919delG).
Protein change: p.Ser640fs; shifts the reading frame from serine 640.
Molecular consequence: frameshift variant.
Genome position (GRCh38, 1-based): chr4:152,323,086, C deleted on the plus strand (G on the coding strand, the reverse complement: FBXW7 is on the minus strand). VCF-style (leftmost placement, unchanged base first): chr4-152323085-GC-G. GRCh37 (hg19) VCF-style: chr4-153244237-GC-G.
Other names: c.1565del, p.Ser522fs (NM_001013415.2); c.1679del, p.Ser560fs (NM_018315.5); c.1919del, p.Ser640fs (NM_033632.3); c.1919delG (NM_001349798.2); short protein forms S522fs, S560fs, S640fs.
Identifiers: ClinVar variation 3255132 (VCV003255132.1), dbSNP rs2530127005.